The following is an entry in ClinVar:

ClinVar aggregate classification (germline): Uncertain significance. Review status: reviewed by expert panel (3 of 4 stars). 12 submissions from 12 submitters: Uncertain significance (1). 11 of the submissions do not count toward it. Last evaluated 2023-03-28.

Conditions:
Inborn genetic diseases. Identifiers: MedGen C0950123, MeSH D030342.
Very long chain acyl-CoA dehydrogenase deficiency (ACADVLD). Also called: VLCAD Deficiency; Very Long-Chain Acyl-Coenzyme A Dehydrogenase Deficiency. Identifiers: Orphanet 26793, MedGen C3887523, MONDO:0008723, OMIM 201475.

Allele frequency attached by ClinVar (database versions not stated): gnomAD exomes below 0.00001; ExAC 0.00001; gnomAD 0.00001; TOPMed 0.00001; 1000 Genomes Project 30x 0.00016; 1000 Genomes Project 0.00020.
gnomAD v4.1: 8 of 1,613,348 alleles (0.0005%); highest among the groups gnomAD compares: Non-Finnish European, 0.00068%; no homozygotes.

Submissions (12):

ClinGen ACADVL Variant Curation Expert Panel, ClinGen
Classification: Uncertain significance for Very long chain acyl-CoA dehydrogenase deficiency. Last evaluated: 2023-03-28. Review status: reviewed by expert panel. Criteria: clingen acadvl acmg specifications v1. Collection method: curation. Allele origin: germline. Inheritance: Autosomal recessive inheritance.
Comment: The c.881G>A variant in ACADVL is a missense variant predicted to cause substitution of glycine by glutamic acid at amino acid 294 (p.Gly294Glu). At least two patients with this variant displayed low very long chain acyl-CoA dehydrogenase (VLCAD) enzyme activity, which is highly specific for VLCAD deficiency (PP4_moderate; PMIDs: 8739957, 12208138). This variant has been detected in at least three patients with clinically diagnosed VLCAD deficiency. Two of these individuals were compound heterozygous for this variant and a likely pathogenic variant, neither confirmed to be in trans (PM3_Supporting; PMID: 25737446,17999356). The highest population minor allele frequency in gnomAD v2.1.1 is 0.00001 in the European (Non-Finnish) population, which is lower than the ClinGen ACADVL VCEP threshold (0.001) for PM2_supporting, meeting this criterion (PM2_supporting). The computational predictor REVEL gives a score of 0.919, which is above the threshold of 0.75, evidence that correlates with impact to VLCAD function (PP3). In summary, this variant meets the criteria to be classified as a variant of uncertain significance for autosomal recessive VLCAD deficiency based on the ACMG/AMP criteria applied, as specified by the ClinGen ACADVL Variant Curation Expert Panel: PP4_moderate, PM2_supporting, PM3_Supporting, PP3 (ACADVL VCEP specifications version 1; approved November 8, 2021). This variant was originally curated April 12, 2022 and the recurated classification was approved by the expert panel on March 28, 2023.

Labcorp Genetics (formerly Invitae), Labcorp
Classification: Likely pathogenic for Very long chain acyl-CoA dehydrogenase deficiency. Last evaluated: 2026-01-06. Review status: criteria provided, single submitter. Criteria: Invitae Variant Classification Sherloc (09022015). Collection method: clinical testing. Allele origin: germline. Not counted in ClinVar's aggregate classification.
Comment: This sequence change replaces glycine, which is neutral and non-polar, with glutamic acid, which is acidic and polar, at codon 294 of the ACADVL protein (p.Gly294Glu). This variant is present in population databases (rs200573371, gnomAD 0.0009%). This missense change has been observed in individual(s) with very long chain acyl-CoA dehydrogenase (VLCAD) deficiency (PMID: 8739957, 12208138, 17999356; internal data). In at least one individual the data is consistent with being in trans (on the opposite chromosome) from a pathogenic variant. ClinVar contains an entry for this variant (Variation ID: 203575). An algorithm developed to predict the effect of missense changes on protein structure and function (PolyPhen-2) suggests that this variant is likely to be disruptive. In summary, the currently available evidence indicates that the variant is pathogenic, but additional data are needed to prove that conclusively. Therefore, this variant has been classified as Likely Pathogenic.

Myriad Genetics, Inc.
Classification: Likely pathogenic for Very long chain acyl-CoA dehydrogenase deficiency. Last evaluated: 2025-09-10. Review status: criteria provided, single submitter. Criteria: Myriad Autosomal Dominant, Autosomal Recessive and X-Linked Classification Criteria (2023). Collection method: clinical testing. Allele origin: unknown. Not counted in ClinVar's aggregate classification.
Comment: NM_000018.3(ACADVL):c.881G>A(G294E) is a missense variant classified as likely pathogenic in the context of very-long-chain acyl-CoA dehydrogenase deficiency. G294E has been observed in cases with relevant disease (PMID: 17999356, Pozzessere_2012_(Thesis), 12208138, 25737446 ). Relevant functional assessments of this variant are available in the literature (PMID: 25737446, 17999356). G294E has been observed in referenced population frequency databases. In summary, NM_000018.3(ACADVL):c.881G>A(G294E) is a missense variant that has been observed more frequently in cases with the relevant disease than in healthy populations. Please note: this variant was assessed in the context of healthy population screening.

Natera, Inc.
Classification: Likely pathogenic for Very long chain acyl-CoA dehydrogenase deficiency. Last evaluated: 2025-06-26. Review status: criteria provided, single submitter. Criteria: Natera Variant Classification Schema (03/2026). Collection method: clinical testing. Allele origin: germline. Not counted in ClinVar's aggregate classification.
Comment: The c.881G>A variant in ACADVL is a missense variant predicted to cause substitution of glycine to glutamic acid at amino acid 294. This variant is rare in the general population with a frequency below the threshold expected for the associated phenotype(s). This variant has been observed in one or more individuals affected with the associated recessive disease, as either homozygous or compound heterozygous with a second variant (PMID: 25737446, 12208138). This variant has been identified in one or more affected individual with a phenotype highly consistent with the associated gene (PMID: 25737446, 12208138). Computational prediction algorithms indicate this variant is likely to affect gene or protein function. Given the available evidence, this variant is classified as Likely Pathogenic.

Baylor Genetics
Classification: Likely pathogenic for Very long chain acyl-CoA dehydrogenase deficiency. Last evaluated: 2024-03-01. Review status: criteria provided, single submitter. Criteria: ACMG Guidelines, 2015. Collection method: clinical testing. Allele origin: unknown. Not counted in ClinVar's aggregate classification.

GeneDx
Classification: Uncertain significance. Last evaluated: 2022-09-22. Review status: criteria provided, single submitter. Criteria: GeneDx Variant Classification Process June 2021. Collection method: clinical testing. Allele origin: germline. Affected: yes. Not counted in ClinVar's aggregate classification.
Comment: Not observed at significant frequency in large population cohorts (gnomAD); In silico analysis supports that this missense variant has a deleterious effect on protein structure/function; This variant is associated with the following publications: (PMID: 17999356, 12208138, 8739957)

Blueprint Genetics
Classification: Uncertain significance. Last evaluated: 2022-07-13. Review status: criteria provided, single submitter. Criteria: ACMG Guidelines, 2015. Collection method: clinical testing. Allele origin: germline. Not counted in ClinVar's aggregate classification.

Ambry Genetics
Classification: Uncertain significance for Inborn genetic diseases. Last evaluated: 2021-01-06. Review status: criteria provided, single submitter. Criteria: Ambry Variant Classification Scheme 2023. Collection method: clinical testing. Allele origin: germline. Not counted in ClinVar's aggregate classification.
Comment: The c.881G>A (p.G294E) alteration is located in exon 10 (coding exon 10) of the ACADVL gene. This alteration results from a G to A substitution at nucleotide position 881, causing the glycine (G) at amino acid position 294 to be replaced by a glutamic acid (E). This variant was identified in individuals with very long-chain acyl-CoA dehydrogenase deficiency in conjunction with a second ACADVL variant (Andresen, 1996; Giak Sim, 2002; Gobin-Limballe, 2007). Based on insufficient or conflicting evidence, the clinical significance of this alteration remains unclear.

Wong Mito Lab, Molecular and Human Genetics, Baylor College of Medicine
Classification: Likely pathogenic for Very long chain acyl-CoA dehydrogenase deficiency. Last evaluated: 2019-11-01. Review status: criteria provided, single submitter. Criteria: ACMG Guidelines, 2015. Collection method: clinical testing. Allele origin: germline. Not counted in ClinVar's aggregate classification.
Comment: The NM_000018.3:c.881G>A (NP_000009.1:p.Gly294Glu) [GRCH38: NC_000017.11:g.7222669G>A] variant in ACADVL gene is interpretated to be Likely Pathogenic based on ACMG guidelines (PMID: 25741868). This variant has been reported. This variant meets the following evidence codes reported in the ACMG guidelines: PS3, PP3. PP4

ARUP Laboratories, Molecular Genetics and Genomics, ARUP Laboratories
Classification: Likely pathogenic. Last evaluated: 2017-10-12. Review status: criteria provided, single submitter. Criteria: ARUP Molecular Germline Variant Investigation Process. Collection method: clinical testing. Allele origin: germline. Not counted in ClinVar's aggregate classification.

CeGaT Center for Human Genetics Tuebingen
Classification: Pathogenic. Last evaluated: 2017-05-01. Review status: criteria provided, single submitter. Criteria: CeGaT Center For Human Genetics Tuebingen Variant Classification Criteria Version 2. Collection method: clinical testing. Allele origin: germline. Affected: yes. Observed: 1 variant allele. Not counted in ClinVar's aggregate classification.

Counsyl
Classification: Uncertain significance for Very long chain acyl-CoA dehydrogenase deficiency. Last evaluated: 2018-01-05. Review status: no assertion criteria provided. Collection method: clinical testing. Allele origin: unknown. Not counted in ClinVar's aggregate classification.

Literature cited by the submitters: PubMed 8739957 (cited by 4 submitters); PubMed 12208138 (cited by 4 submitters); PubMed 17999356 (cited by 4 submitters); PubMed 25737446 (cited by Myriad Genetics, Inc. and Natera, Inc.).

NM_000018.4(ACADVL):c.881G>A (p.Gly294Glu)

Gene: ACADVL (acyl-CoA dehydrogenase very long chain; plus strand). Cytogenetic location: 17p13.1.
Variant type: single nucleotide variant.
Coding change: c.881G>A on transcript NM_000018.4 (MANE Select); coding-DNA position 881, G replaced by A.
Protein change: p.Gly294Glu; replaces glycine 294 with glutamic acid.
Molecular consequence: missense variant.
Genome position (GRCh38, 1-based): chr17:7,222,669, G>A. VCF-style: chr17-7222669-G-A. GRCh37 (hg19) VCF-style: chr17-7125988-G-A.
Other names: p.G294E:GGG>GAG; NM_000018.4(ACADVL):c.881G>A; c.815G>A, p.Gly272Glu (NM_001033859.3); c.950G>A, p.Gly317Glu (NM_001270447.2); c.653G>A, p.Gly218Glu (NM_001270448.2); short protein forms G294E, G218E, G272E, G317E.
Identifiers: ClinVar variation 203575 (VCV000203575.70), dbSNP rs200573371, ClinGen allele CA312257.